The following continues an entry in ClinVar:

NM_007294.4(BRCA1):c.5339T>C (p.Leu1780Pro)

Gene: BRCA1. ClinVar aggregate classification (germline): Pathogenic/Likely pathogenic. Pathogenic (9); Likely pathogenic (1).

Submissions 7 to 14 of 14:

GeneDx
Classification: Likely pathogenic. Last evaluated: 2020-06-30. Review status: criteria provided, single submitter. Criteria: GeneDx Variant Classification Process June 2021. Collection method: clinical testing. Allele origin: germline. Affected: yes.
Comment: Published functional studies demonstrate a damaging effect: absent or reduced protease sensitivity, binding activity and specificity, cell survival, and transcription activity (Hayes 2000, Lee 2010, Findlay 2018); Observed in multiple individuals of Korean ancestry with breast and/or ovarian cancer (Choi 2004, Han 2006, Jang 2012, Eoh 2016, Yoon 2016, Ryu 2017); Case control studies in Korean women suggest this variant is associated with hereditary breast and ovarian cancer and may be a pathogenic Korean founder variant (Park 2017); Not observed at a significant frequency in large population cohorts (Lek 2016); In silico analysis supports that this missense variant has a deleterious effect on protein structure/function; Also known as 5458T>C; This variant is associated with the following publications: (PMID: 20378548, 19491284, 15235020, 27124784, 29240602, 27383479, 30415210, 20516115, 15117986, 17100994, 16949048, 22217648, 15172985, 10811118, 28111427, 28781887, 29020732, 28364669, 27658390, 28288110, 27488874, 29770616, 30209399, 30765603, 30309222, 32019279, 30350268)

Breast Center, Key Laboratory of Carcinogenesis and Translational Research
Classification: Pathogenic for Hereditary breast and ovarian cancer syndrome. Last evaluated: 2020-05-01. Review status: criteria provided, single submitter. Criteria: ACMG Guidelines, 2015. Collection method: clinical testing. Allele origin: germline. Observed: 1 variant allele.

Center for Breast Cancer, National Cancer Center
Classification: Pathogenic for Hereditary breast ovarian cancer syndrome. Last evaluated: 2016-07-05. Review status: criteria provided, single submitter. Criteria: Yoon et al. (Cancer Res Treat. 2016). Collection method: clinical testing. Allele origin: germline. Inheritance: Autosomal dominant inheritance. Affected: yes. Observed: 4 variant alleles, 4 heterozygotes. Clinical features observed: Breast carcinoma.
Comment: A total of 328 breast cancer patients underwent BRCA1/2 genetic screening at the National Cancer Center of Korea. The c.5339T>C variant in the BRCA1 gene was detected in four patients with a family history of breast cancer. It was not detected in 421 healthy controls. As shown in the pedigree in the published article, two breast cancer patients in this family and the proband were also diagnosed with ovarian cancer 2 years after being diagnosed with breast cancer. The c.5339T>C variant results in an amino acid change from leucine to proline at position 1780. The predicted structure shows that the mutation site is in the middle of a helix in the BRCT domain of BRCA1, forming a hydrophobic patch with its surrounding residues. The BRCT domain is known to recognize and bind phosphorylated pSXXF motifs of FAM175A/Abraxas to recruit BRCA1 to regions of DNA damage.

Cancer Prevention Center, Yonsei Cancer Center, Severance Hospital, Yonsei University College of Medicine
Classification: Pathogenic for Breast-ovarian cancer, familial, susceptibility to, 1. Last evaluated: 2016-06-15. Review status: criteria provided, single submitter. Criteria: ACMG Guidelines, 2015. Collection method: research. Allele origin: germline. Inheritance: Autosomal dominant inheritance. Affected: yes. Observed: 11 variant alleles. Clinical features observed: Breast carcinoma.
Comment: We observed that 11 HBOC patients with L1780P variant showed typical clinicopathological feature of patients with BRCA1 mutations. When we apply the ACMG standards and guideline for reclassification of L1780P, L1780P is a highly suspected of pathogenic varints of BRCA1. A previous study (Lee et al, 2010) also indicated that L1780P mutation causes adverse effects on cells in functional anlayses. Our re-classification according to the ACMG guidelines for L1780P variant published in Cancer Research and Treatment (Park et al, 2017, e-pub).

Molecular Oncology, Hospital Universitario Central de Asturias (HUCA)
Classification: Pathogenic for Breast-ovarian cancer, familial, susceptibility to, 1. Last evaluated: 2021-05-24. Review status: no assertion criteria provided. Collection method: case-control. Allele origin: de novo. Affected: yes. Not counted in ClinVar's aggregate classification.
Comment: Previously reported as Korean founder (PMID: 28111427)

BRCAlab, Lund University
Classification: Likely pathogenic for Breast-ovarian cancer, familial, susceptibility to, 1. Last evaluated: 2020-03-02. Review status: no assertion criteria provided. Collection method: clinical testing. Allele origin: germline. Affected: yes. Not counted in ClinVar's aggregate classification.

Breast Cancer Information Core (BIC) (BRCA1)
Classification: Uncertain significance for Breast-ovarian cancer, familial 1. Last evaluated: 2002-06-20. Review status: no assertion criteria provided. Collection method: clinical testing. Allele origin: germline. Affected: yes. Observed: 1 variant allele. Not counted in ClinVar's aggregate classification.

Brotman Baty Institute, University of Washington
No classification provided (evidence only). Condition: Breast-ovarian cancer, familial 1. Review status: no classification provided. Collection method: in vitro. Allele origin: not applicable. Functional consequence: functionally_abnormal. Not counted in ClinVar's aggregate classification.
ClinVar note: "not provided" was previously submitted as the classification for the variant. However, the classification appeared to be based only on an observation of functional data so it was converted to no classification on 2025-07-30.

Literature cited by the submitters: PubMed 15117986 (cited by 4 submitters); PubMed 17100994 (cited by 5 submitters); PubMed 22217648 (cited by 4 submitters); PubMed 27124784 (cited by 3 submitters); PubMed 27383479 (cited by Labcorp Genetics (formerly Invitae), Labcorp and Color Diagnostics, LLC DBA Color Health); PubMed 27488874 (cited by Labcorp Genetics (formerly Invitae), Labcorp and Quest Diagnostics Nichols Institute San Juan Capistrano); PubMed 27658390 (cited by 5 submitters); PubMed 28111427 (cited by 7 submitters); PubMed 28288110 (cited by 3 submitters); PubMed 28364669 (cited by 4 submitters); PubMed 29020732 (cited by 4 submitters); PubMed 29770616 (cited by 5 submitters); PubMed 30209399 (cited by 6 submitters); PubMed 10811118 (cited by 4 submitters); PubMed 20378548 (cited by Labcorp Genetics (formerly Invitae), Labcorp and Ambry Genetics); PubMed 20516115 (cited by 5 submitters); PubMed 16949048 (cited by Color Diagnostics, LLC DBA Color Health); PubMed 19491284 (cited by Color Diagnostics, LLC DBA Color Health); PubMed 26402875 (cited by Color Diagnostics, LLC DBA Color Health); PubMed 30415210 (cited by Color Diagnostics, LLC DBA Color Health and Quest Diagnostics Nichols Institute San Juan Capistrano); PubMed 31853058 (cited by Color Diagnostics, LLC DBA Color Health); PubMed 32019279 (cited by 3 submitters); PubMed 32546644 (cited by 4 submitters); PubMed 33471991 (cited by Color Diagnostics, LLC DBA Color Health and Department of Pathology and Laboratory Medicine, Sinai Health System); PubMed 34063308 (cited by Color Diagnostics, LLC DBA Color Health); PubMed 29240602 (cited by Department of Pathology and Laboratory Medicine, Sinai Health System and Quest Diagnostics Nichols Institute San Juan Capistrano); PubMed 30309222 (cited by Department of Pathology and Laboratory Medicine, Sinai Health System and Quest Diagnostics Nichols Institute San Juan Capistrano); PubMed 31907386 (cited by 3 submitters); PubMed 34645131 (cited by Department of Pathology and Laboratory Medicine, Sinai Health System and Quest Diagnostics Nichols Institute San Juan Capistrano); PubMed 30765603 (cited by Department of Pathology and Laboratory Medicine, Sinai Health System and Quest Diagnostics Nichols Institute San Juan Capistrano); PubMed 30350268 (cited by Quest Diagnostics Nichols Institute San Juan Capistrano); PubMed 32803532 (cited by Quest Diagnostics Nichols Institute San Juan Capistrano); PubMed 33087888 (cited by Quest Diagnostics Nichols Institute San Juan Capistrano); PubMed 35626017 (cited by Quest Diagnostics Nichols Institute San Juan Capistrano); PubMed 38922859 (cited by Molecular Oncology, Hospital Universitario Central de Asturias (HUCA)).